The following is an entry in ClinVar:

NM_000275.3(OCA2):c.470A>T (p.Asp157Val)

Gene: OCA2 (OCA2 melanosomal transmembrane protein; minus strand). Cytogenetic location: 15q13.1.
Variant type: single nucleotide variant.
Coding change: c.470A>T on transcript NM_000275.3 (MANE Select); coding-DNA position 470, A replaced by T.
Protein change: p.Asp157Val; replaces aspartic acid 157 with valine.
Molecular consequence: missense variant.
Genome position (GRCh38, 1-based): chr15:28,027,916, T>A on the plus strand (A>T on the coding strand, the complement: OCA2 is on the minus strand). VCF-style: chr15-28027916-T-A. GRCh37 (hg19) VCF-style: chr15-28273062-T-A.
Other names: c.470A>T, p.Asp157Val (NM_001300984.2); short protein forms D157V.
Identifiers: ClinVar variation 1380543 (VCV001380543.6), dbSNP rs2141347910, ClinGen allele CA391361876.

ClinVar aggregate classification (germline): Uncertain significance (1 of 4 stars; one submission).

Submission:

Labcorp Genetics (formerly Invitae), Labcorp
Classification: Uncertain significance. Last evaluated: 2021-09-10. Review status: criteria provided, single submitter. Criteria: Invitae Variant Classification Sherloc (09022015). Collection method: clinical testing. Allele origin: germline.
Comment: This variant is not present in population databases (ExAC no frequency). This sequence change replaces aspartic acid with valine at codon 157 of the OCA2 protein (p.Asp157Val). The aspartic acid residue is weakly conserved and there is a large physicochemical difference between aspartic acid and valine. In summary, the available evidence is currently insufficient to determine the role of this variant in disease. Therefore, it has been classified as a Variant of Uncertain Significance. Advanced modeling of protein sequence and biophysical properties (such as structural, functional, and spatial information, amino acid conservation, physicochemical variation, residue mobility, and thermodynamic stability) performed at Invitae indicates that this missense variant is not expected to disrupt OCA2 protein function. This variant has not been reported in the literature in individuals affected with OCA2-related conditions.